The following is an entry in ClinVar:

ClinVar aggregate classification (germline): Conflicting classifications of pathogenicity. Review status: criteria provided, conflicting classifications (1 of 4 stars). 6 submissions from 6 submitters: Likely pathogenic (2); Uncertain significance (4). Last evaluated 2026-09-25.

Conditions:
Storage pool disease of platelets. Also called: STORAGE POOL PLATELET DISEASE; Platelet storage pool deficiency; Platelet storage pool diseases. Identifiers: Orphanet 734, MedGen C0032197, MONDO:0008495, OMIM 185050.
HPS6-related disorder. Also called: HPS6-related condition.
Hermansky-Pudlak syndrome 6 (HPS6). Identifiers: Orphanet 231512, Orphanet 79430, MedGen C3888007, MONDO:0013558, OMIM 614075.

Allele frequency attached by ClinVar (database versions not stated): TOPMed 0.00006; gnomAD 0.00009.
gnomAD v4.1: 90 of 1,613,668 alleles (0.0056%); highest among the groups gnomAD compares: Non-Finnish European, 0.0072%; no homozygotes.

Submissions (6):

GeneDx
Classification: Likely pathogenic. Last evaluated: 2026-09-25. Review status: criteria provided, single submitter. Criteria: GeneDx Variant Classification Process June 2021. Collection method: clinical testing. Allele origin: germline.
Comment: Observed with a second missense variant in a patient with a platelet function disorder in published literature, although further clinical information and segregation data were not provided (PMID: 31064749); In silico analysis supports that this missense variant has a deleterious effect on protein structure/function; This variant is associated with the following publications: (PMID: 31064749)

PreventionGenetics, part of Exact Sciences
Classification: Likely pathogenic for HPS6-related condition. Last evaluated: 2025-06-10. Review status: criteria provided, single submitter. Criteria: ACMG Guidelines, 2015. Collection method: clinical testing. Allele origin: germline.
Comment: The HPS6 c.692C>G variant is predicted to result in the amino acid substitution p.Pro231Arg. This variant has been reported along with a second HPS6 variant in an individual with a platelet function disorder (Table S3 in Downes et al. 2019. PubMed ID: 31064749). This variant has been observed in trans with a pathogenic HPS6 variant in two unrelated individuals undergoing testing for oculocutaneous albinism (PreventionGenetics internal data, personal communication with GeneDx). This variant is present in 0.0040% of alleles in individuals of African descent in gnomAD. Given the evidence, we interpret this variant as likely pathogenic.

Labcorp Genetics (formerly Invitae), Labcorp
Classification: Uncertain significance. Last evaluated: 2024-06-12. Review status: criteria provided, single submitter. Criteria: Invitae Variant Classification Sherloc (09022015). Collection method: clinical testing. Allele origin: germline.
Comment: This sequence change replaces proline, which is neutral and non-polar, with arginine, which is basic and polar, at codon 231 of the HPS6 protein (p.Pro231Arg). This variant is present in population databases (rs754025975, gnomAD 0.004%). This missense change has been observed in individual(s) with a platelet disorder and/or Hermansky-Pudlak syndrome (PMID: 31064749; Invitae). In at least one individual the data is consistent with being in trans (on the opposite chromosome) from a pathogenic variant. ClinVar contains an entry for this variant (Variation ID: 627122). Advanced modeling of protein sequence and biophysical properties (such as structural, functional, and spatial information, amino acid conservation, physicochemical variation, residue mobility, and thermodynamic stability) performed at Invitae indicates that this missense variant is not expected to disrupt HPS6 protein function with a negative predictive value of 80%. In summary, the available evidence is currently insufficient to determine the role of this variant in disease. Therefore, it has been classified as a Variant of Uncertain Significance.

Victorian Clinical Genetics Services, Murdoch Childrens Research Institute
Classification: Uncertain significance for Hermansky-Pudlak syndrome 6. Last evaluated: 2023-07-17. Review status: criteria provided, single submitter. Criteria: ACMG Guidelines, 2015. Collection method: clinical testing. Allele origin: germline. Inheritance: Autosomal recessive inheritance. Affected: yes.
Comment: Based on the classification scheme VCGS_Germline_v1.3.4, this variant is classified as VUS-3A. Following criteria are met: 0102 - Loss of function is a mechanism of disease in this gene and is associated with Hermansky-Pudlak syndrome 6 (MIM#614075) (PMIDs: 19843503, 27917594, 30369044). (I) 0106 - This gene is associated with autosomal recessive disease. (I) 0200 - Variant is predicted to result in a missense amino acid change from proline to arginine. (I) 0251 - This variant is heterozygous. (I) 0304 - Variant is present in gnomAD (v3 non-v2) <0.01 for a recessive condition (12 heterozygotes, 0 homozygotes). (SP) 0309 - Multiple alternative amino acid changes at the same position have been observed in gnomAD (v2) (highest allele count: 4 heterozygotes, 0 homozygotes). (I) 0501 - Missense variant consistently predicted to be damaging by multiple in silico tools or highly conserved with a major amino acid change. (SP) 0600 - Variant is located in the annotated Hermansky-Pudlak syndrome 6 protein N-terminal domain (DECIPHER). (I) 0705 - No comparable missense variants have previous evidence for pathogenicity. (I) 0809 - Previous evidence of pathogenicity for this variant is inconclusive. This variant has been classified as a VUS by one clinical diagnostic laboratory (ClinVar). This variant has also been reported as compound heterozygous in one individual with a platelet disorder and classified as a VUS (PMID: 31064749). (I) 0905 - No published segregation evidence has been identified for this variant. (I) 1007 - No published functional evidence has been identified for this variant. (I) 1102 - Strong phenotype match for this individual. (SP) 1208 - Inheritance information for this variant is not currently available in this individual. (I) Legend: (SP) - Supporting pathogenic, (I) - Information, (SB) - Supporting benign

Fulgent Genetics
Classification: Uncertain significance for Hermansky-Pudlak syndrome 6. Last evaluated: 2022-03-02. Review status: criteria provided, single submitter. Criteria: ACMG Guidelines, 2015. Collection method: clinical testing. Allele origin: unknown.

NIHR Bioresource Rare Diseases, University of Cambridge
Classification: Uncertain significance for Storage pool disease of platelets. Last evaluated: 2019-02-01. Review status: criteria provided, single submitter. Criteria: ACMG Guidelines, 2015. Collection method: research. Allele origin: unknown. Affected: yes. Observed: 1 compound heterozygote. Study: ThromboGenomics.

Literature cited by the submitters: PubMed 31064749 (cited by 3 submitters); PubMed 19843503 (cited by Victorian Clinical Genetics Services, Murdoch Childrens Research Institute); PubMed 27917594 (cited by Victorian Clinical Genetics Services, Murdoch Childrens Research Institute); PubMed 30369044 (cited by Victorian Clinical Genetics Services, Murdoch Childrens Research Institute).

NM_024747.6(HPS6):c.692C>G (p.Pro231Arg)

Gene: HPS6 (HPS6 biogenesis of lysosomal organelles complex 2 subunit 3; plus strand). Cytogenetic location: 10q24.32.
Variant type: single nucleotide variant.
Coding change: c.692C>G on transcript NM_024747.6 (MANE Select); coding-DNA position 692, C replaced by G.
Protein change: p.Pro231Arg; replaces proline 231 with arginine.
Molecular consequence: missense variant.
Genome position (GRCh38, 1-based): chr10:102,066,166, C>G. VCF-style: chr10-102066166-C-G. GRCh37 (hg19) VCF-style: chr10-103825923-C-G.
Other names: short protein forms P231R.
Identifiers: ClinVar variation 627122 (VCV000627122.13), dbSNP rs754025975, ClinGen allele CA5659833.